The following is an entry in ClinVar:

ClinVar aggregate classification (germline): Uncertain significance. Review status: criteria provided, multiple submitters, no conflicts (2 of 4 stars). 2 submissions from 2 submitters: Uncertain significance (2). Last evaluated 2023-10-01.

Conditions:
Retinal dystrophy. Also called: Inherited retinal dystrophy. Identifiers: Orphanet 71862, MedGen C0854723, MeSH D058499, MONDO:0019118, HP:0000556.

Allele frequency attached by ClinVar (database versions not stated): TOPMed below 0.00001.

Submissions (2):

Dept Of Ophthalmology, Nagoya University
Classification: Uncertain significance for Retinal dystrophy. Last evaluated: 2023-10-01. Review status: criteria provided, single submitter. Criteria: Submitter's publication. Collection method: research. Allele origin: germline. Affected: yes.

Labcorp Genetics (formerly Invitae), Labcorp
Classification: Uncertain significance. Last evaluated: 2022-09-27. Review status: criteria provided, single submitter. Criteria: Invitae Variant Classification Sherloc (09022015). Collection method: clinical testing. Allele origin: germline.
Comment: This sequence change replaces alanine, which is neutral and non-polar, with valine, which is neutral and non-polar, at codon 74 of the RLBP1 protein (p.Ala74Val). This variant is not present in population databases (gnomAD no frequency). This variant has not been reported in the literature in individuals affected with RLBP1-related conditions. ClinVar contains an entry for this variant (Variation ID: 1001067). Advanced modeling of protein sequence and biophysical properties (such as structural, functional, and spatial information, amino acid conservation, physicochemical variation, residue mobility, and thermodynamic stability) performed at Invitae indicates that this missense variant is not expected to disrupt RLBP1 protein function. Algorithms developed to predict the effect of sequence changes on RNA splicing suggest that this variant may create or strengthen a splice site. In summary, the available evidence is currently insufficient to determine the role of this variant in disease. Therefore, it has been classified as a Variant of Uncertain Significance.

NM_000326.5(RLBP1):c.221C>T (p.Ala74Val)

Gene: RLBP1 (retinaldehyde binding protein 1; minus strand). Cytogenetic location: 15q26.1.
Variant type: single nucleotide variant.
Coding change: c.221C>T on transcript NM_000326.5 (MANE Select); coding-DNA position 221, C replaced by T.
Protein change: p.Ala74Val; replaces alanine 74 with valine.
Molecular consequence: missense variant.
Genome position (GRCh38, 1-based): chr15:89,217,245, G>A on the plus strand (C>T on the coding strand, the complement: RLBP1 is on the minus strand). VCF-style: chr15-89217245-G-A. GRCh37 (hg19) VCF-style: chr15-89760476-G-A.
Other names: short protein forms A74V.
Identifiers: ClinVar variation 1001067 (VCV001001067.6), dbSNP rs1238365040, ClinGen allele CA393730899.